The following is an entry in ClinVar:

ClinVar aggregate classification (germline): Uncertain significance. Review status: criteria provided, multiple submitters, no conflicts (2 of 4 stars). 2 submissions from 2 submitters: Uncertain significance (2). Last evaluated 2024-10-11.

Conditions:
Charcot-Marie-Tooth disease. Also called: Charcot-Marie-Tooth Hereditary Neuropathy; Charcot-Marie-Tooth Neuropathy. Identifiers: Orphanet 166, MedGen C0007959, MONDO:0015626.
Charcot-Marie-Tooth disease dominant intermediate B (CMTDIB). Also called: Charcot-Marie-Tooth disease dominant intermediate 1; CMT DI1; Charcot-Marie-Tooth disease dominant intermediate I; CHARCOT-MARIE-TOOTH NEUROPATHY, DOMINANT INTERMEDIATE B. Identifiers: Orphanet 100044, Orphanet 228179, MedGen C1847902, MONDO:0011674, OMIM 606482.

Submissions (2):

Victorian Clinical Genetics Services, Murdoch Childrens Research Institute
Classification: Uncertain significance for Charcot-Marie-Tooth disease. Last evaluated: 2024-10-11. Review status: criteria provided, single submitter. Criteria: ACMG Guidelines, 2015. Collection method: clinical testing. Allele origin: germline. Inheritance: Autosomal dominant inheritance. Affected: yes.
Comment: Based on the classification scheme VCGS_Germline_v1.3.5, this variant is classified as VUS-3B. Following criteria are met: 0101 - Gain of function is a known mechanism of disease in this gene and is associated with centronuclear myopathy (MIM#1160150). Charcot-Marie-Tooth disease, axonal type 2M and dominant intermediate B (MIM#606482) are also associated with this gene; currently the mechanism of disease for these conditions is not established. (I) 0107 - This gene is associated with autosomal dominant disease. DNM2 is generally associated with autosomal dominant disease, however recessive inheritance of a hypomorphic allele has been reported in a family where homozygote missense offspring displayed a severe lethal neonatal phenotype, and the carrier parents presented with a mild form of myopathy (OMIM). (I) 0115 - Variants in this gene are known to have variable expressivity. Interfamilial and intrafamilial variability has been reported (PMID: 22396310). (I) 0200 - Variant is predicted to result in a missense amino acid change from arginine to serine. (I) 0219 - This variant is non-coding in an alternative transcript. This variant is present in a known mutually exclusive exon 10a/b, and is non-coding in the MANE select transcript (PMID: 34768808). (I) 0251 - This variant is heterozygous. (I) 0301 - Variant is absent from gnomAD (v2, v3 and v4). (SP) 0501 - Missense variant consistently predicted to be damaging by multiple in silico tools or highly conserved with a major amino acid change. (SP) 0600 - Variant is located in the annotated middle domain (PMID: 22396310). (I) 0705 - No comparable missense variants have previous evidence for pathogenicity. (I) 0809 - Previous evidence of pathogenicity for this variant is inconclusive. This variant has been reported once as a VUS in ClinVar by a clinical laboratory. (I) 0905 - No published segregation evidence has been identified for this variant. (I) 1007 - No published functional evidence has been identified for this variant. (I) 1208 - Inheritance information for this variant is not currently available in this individual. (I) Legend: (SP) - Supporting pathogenic, (I) - Information, (SB) - Supporting benign

Labcorp Genetics (formerly Invitae), Labcorp
Classification: Uncertain significance for Charcot-Marie-Tooth disease dominant intermediate B. Last evaluated: 2022-09-10. Review status: criteria provided, single submitter. Criteria: Invitae Variant Classification Sherloc (09022015). Collection method: clinical testing. Allele origin: germline.
Comment: In summary, the available evidence is currently insufficient to determine the role of this variant in disease. Therefore, it has been classified as a Variant of Uncertain Significance. Algorithms developed to predict the effect of sequence changes on RNA splicing suggest that this variant may create or strengthen a splice site. Advanced modeling of protein sequence and biophysical properties (such as structural, functional, and spatial information, amino acid conservation, physicochemical variation, residue mobility, and thermodynamic stability) has been performed at Invitae for this missense variant, however the output from this modeling did not meet the statistical confidence thresholds required to predict the impact of this variant on DNM2 protein function. This variant has not been reported in the literature in individuals affected with DNM2-related conditions. This variant is not present in population databases (gnomAD no frequency). This sequence change replaces arginine, which is basic and polar, with serine, which is neutral and polar, at codon 440 of the DNM2 protein (p.Arg440Ser).

Literature cited by the submitters: PubMed 22396310 (cited by Victorian Clinical Genetics Services, Murdoch Childrens Research Institute); PubMed 34768808 (cited by Victorian Clinical Genetics Services, Murdoch Childrens Research Institute).

NM_001005361.3(DNM2):c.1196+745G>T

Gene: DNM2 (dynamin 2; plus strand). Cytogenetic location: 19p13.2.
Variant type: single nucleotide variant.
Coding change: c.1196+745G>T on transcript NM_001005361.3 (MANE Select); 745 bases into the intron after coding-DNA position 1196, G replaced by T.
Molecular consequence: intron variant. On other transcripts: missense variant (3).
Genome position (GRCh38, 1-based): chr19:10,796,184, G>T. VCF-style: chr19-10796184-G-T. GRCh37 (hg19) VCF-style: chr19-10906860-G-T.
Other names: c.1320G>T, p.Arg440Ser (NM_001005360.3, NM_001190716.2, NM_004945.4); c.1196+745G>T (NM_001005362.3); short protein forms R440S.
Identifiers: ClinVar variation 2055280 (VCV002055280.5), dbSNP rs2071926413, ClinGen allele CA404049068.